The following is an entry in ClinVar:

NM_002734.5(PRKAR1A):c.410T>A (p.Leu137Gln)

Gene: PRKAR1A (protein kinase cAMP-dependent type I regulatory subunit alpha; plus strand). Cytogenetic location: 17q24.2.
Variant type: single nucleotide variant.
Coding change: c.410T>A on transcript NM_002734.5 (MANE Select); coding-DNA position 410, T replaced by A.
Protein change: p.Leu137Gln; replaces leucine 137 with glutamine.
Molecular consequence: missense variant.
Genome position (GRCh38, 1-based): chr17:68,523,786, T>A. VCF-style: chr17-68523786-T-A. GRCh37 (hg19) VCF-style: chr17-66519927-T-A.
Other names: c.410T>A, p.Leu137Gln (NM_001276289.2, NM_001276290.1, NM_001278433.2 and 4 more transcripts); short protein forms L137Q.
Identifiers: ClinVar variation 4674185 (VCV004674185.1).

ClinVar aggregate classification (germline): Uncertain significance (1 of 4 stars; one submission).

Conditions:
Hereditary cancer-predisposing syndrome. Also called: Neoplastic Syndromes, Hereditary; Tumor predisposition; Hereditary Cancer Syndrome; Hereditary neoplastic syndrome. Identifiers: Orphanet 140162, MedGen C0027672, MeSH D009386, MONDO:0015356.

Submission:

Ambry Genetics
Classification: Uncertain significance for Hereditary cancer-predisposing syndrome. Last evaluated: 2025-09-26. Review status: criteria provided, single submitter. Criteria: Ambry Variant Classification Scheme 2023. Collection method: clinical testing. Allele origin: germline.
Comment: The p.L137Q variant (also known as c.410T>A), located in coding exon 3 of the PRKAR1A gene, results from a T to A substitution at nucleotide position 410. The leucine at codon 137 is replaced by glutamine, an amino acid with dissimilar properties. This amino acid position is conserved. In addition, this alteration is predicted to be deleterious by in silico analysis. Based on the available evidence, the clinical significance of this variant remains unclear.